The following is an entry in ClinVar:

ClinVar aggregate classification (germline): Pathogenic/Likely pathogenic. Review status: criteria provided, multiple submitters, no conflicts (2 of 4 stars). 2 submissions from 2 submitters: Pathogenic (1); Likely pathogenic (1). Last evaluated 2025-11-26.

Conditions:
Intellectual disability, X-linked 102 (MRXSSB). Also called: Intellectual developmental disorder, X-linked syndromic, Snijders Blok type. Identifiers: Orphanet 457260, MedGen C5393299, MONDO:0010497, OMIM 300958.

Submissions (2):

3billion
Classification: Likely pathogenic for Intellectual disability, X-linked 102. Last evaluated: 2025-11-26. Review status: criteria provided, single submitter. Criteria: ACMG Guidelines, 2015. Collection method: clinical testing. Allele origin: germline. Affected: yes.
Comment: The variant is not observed in the gnomAD v4.1.0 dataset. Predicted Consequence/Location: Inframe deletion located in a nonrepeat region: predicted to change the length of the protein and disrupt normal protein function. The variant has been previously reported as de novo in a similarly affected individual (PMID: 30349862). The variant has been reported to be associated with DDX3X-related disorder (ClinVar ID: VCV000419827 /PMID: 30349862). Therefore, this variant is classified as Likely pathogenic according to the recommendation of ACMG/AMP guideline.

GeneDx
Classification: Pathogenic. Last evaluated: 2024-05-24. Review status: criteria provided, single submitter. Criteria: GeneDx Variant Classification Process June 2021. Collection method: clinical testing. Allele origin: germline. Affected: yes.
Comment: In-frame deletion of 1 amino acids in a non-repeat region; Not observed at significant frequency in large population cohorts (gnomAD); In silico analysis supports a deleterious effect on protein structure/function; This variant is associated with the following publications: (PMID: 30349862, 32135084, 38113761, 33057194)

Literature cited by the submitters: PubMed 30349862 (cited by 3billion).

NM_001356.5(DDX3X):c.1203CTT[1] (p.Phe402del)

Gene: DDX3X (DEAD-box helicase 3 X-linked; plus strand). Cytogenetic location: Xp11.4.
Variant type: Microsatellite.
Coding change: c.1203CTT[1] on transcript NM_001356.5 (MANE Select); one copy of the 3-base unit CTT starting at c.1203; the reference has two copies in a row; one copy, 3 bases deleted; also written c.1206_1208del.
Protein change: p.Phe402del; deletes phenylalanine 402.
Molecular consequence: inframe deletion. On other transcripts: non-coding transcript variant (1).
Genome position (GRCh38, 1-based): chrX:41,345,439-41,345,441, CTT deleted; deleting any 3 consecutive bases within chrX:41,345,435-41,345,441 gives the same sequence; the position shown is the placement nearest the transcript's 3' end. VCF-style (leftmost placement, unchanged base first): chrX-41345434-ATCT-A. GRCh37 (hg19) VCF-style: chrX-41204687-ATCT-A.
Other names: c.1203CTT[1], p.Phe402del (NM_001193416.3); c.1155CTT[1], p.Phe386del (NM_001193417.3); c.645CTT[1], p.Phe216del (NM_001363819.1); c.1206_1208delCTT (NM_001193416.1); c.1206_1208del (NM_001356.5); short protein forms F402del, F386del, F216del.
Identifiers: ClinVar variation 419827 (VCV000419827.8), dbSNP rs1064794133, ClinGen allele CA16621386.